The following is an entry in ClinVar:

ClinVar aggregate classification (germline): Benign (0 of 4 stars; one submission).

Conditions:
ZNF750-related disorder. Also called: ZNF750-related condition.

Allele frequency attached by ClinVar (database versions not stated): gnomAD exomes 0.00015; ExAC 0.00044; 1000 Genomes Project 30x 0.00047; 1000 Genomes Project 0.00060; gnomAD 0.00155; TOPMed 0.00176; ESP Exome Variant Server 0.00215.
gnomAD v4.1: 455 of 1,613,226 alleles (0.028%); highest among the groups gnomAD compares: African/African-American, 0.56%; 3 homozygotes.

Submission:

PreventionGenetics, part of Exact Sciences
Classification: Benign for ZNF750-related condition. Last evaluated: 2019-02-21. Review status: no assertion criteria provided. Collection method: clinical testing. Allele origin: germline.
Comment: This variant is classified as benign based on ACMG/AMP sequence variant interpretation guidelines (Richards et al. 2015 PMID: 25741868, with internal and published modifications).

NM_024702.3(ZNF750):c.473G>A (p.Arg158Gln)

Genes: TBCD (tubulin folding cofactor D), ZNF750 (zinc finger protein 750; minus strand). Cytogenetic location: 17q25.3.
Variant type: single nucleotide variant.
Coding change: c.473G>A on transcript NM_024702.3 (MANE Select); coding-DNA position 473, G replaced by A.
Protein change: p.Arg158Gln; replaces arginine 158 with glutamine.
Molecular consequence: missense variant. On other transcripts: intron variant (3).
Genome position (GRCh38, 1-based): chr17:82,831,982, C>T on the plus strand (G>A on the coding strand, the complement: ZNF750 is on the minus strand). VCF-style: chr17-82831982-C-T. GRCh37 (hg19) VCF-style: chr17-80789858-C-T.
Other names: c.1318+17048C>T (NM_005993.5, NM_001411102.1); c.1267+17048C>T (NM_001411101.1); short protein forms R158Q.
Identifiers: ClinVar variation 3039793 (VCV003039793.2), dbSNP rs149980253, ClinGen allele CA8862417.
Genomic context (GRCh38, chr17:82,831,982, plus strand): 5'-GCCTCGGCGTTGTCTGGCCCCTTGAGTCTGTGCTCGCCGACTGGAACAAATGCAGAAGGC[C>T]GAGCTGCGCCTTCCAGAGCAGGCTGGGCACCGAGGGCGGCTTCCGGAGCTGGGCTCTTGC-3'
Protein context (NP_078978.2, residues 148-168): GAQPALEGAA[Arg158Gln]PSAFVPVGEH